The following is an entry in ClinVar:

ClinVar aggregate classification (germline): Likely pathogenic (1 of 4 stars; one submission).

gnomAD v4.1: 6 of 1,614,160 alleles (0.00037%); highest among the groups gnomAD compares: Non-Finnish European, 0.00051%; no homozygotes.

Submission:

Labcorp Genetics (formerly Invitae), Labcorp
Classification: Likely pathogenic. Last evaluated: 2025-01-13. Review status: criteria provided, single submitter. Criteria: Invitae Variant Classification Sherloc (09022015). Collection method: clinical testing. Allele origin: germline.
Comment: This sequence change replaces glycine, which is neutral and non-polar, with tryptophan, which is neutral and slightly polar, at codon 346 of the CNGA3 protein (p.Gly346Trp). This variant is present in population databases (rs775262372, gnomAD 0.0009%). This missense change has been observed in individual(s) with clinical features of CNGA3-related conditions (internal data). In at least one individual the data is consistent with being in trans (on the opposite chromosome) from a pathogenic variant. ClinVar contains an entry for this variant (Variation ID: 1957640). Invitae Evidence Modeling of protein sequence and biophysical properties (such as structural, functional, and spatial information, amino acid conservation, physicochemical variation, residue mobility, and thermodynamic stability) has been performed for this missense variant. However, the output from this modeling did not meet the statistical confidence thresholds required to predict the impact of this variant on CNGA3 protein function. In summary, the currently available evidence indicates that the variant is pathogenic, but additional data are needed to prove that conclusively. Therefore, this variant has been classified as Likely Pathogenic.

NM_001298.3(CNGA3):c.1036G>T (p.Gly346Trp)

Gene: CNGA3 (cyclic nucleotide gated channel subunit alpha 3; plus strand). Cytogenetic location: 2q11.2.
Variant type: single nucleotide variant.
Coding change: c.1036G>T on transcript NM_001298.3 (MANE Select); coding-DNA position 1036, G replaced by T.
Protein change: p.Gly346Trp; replaces glycine 346 with tryptophan.
Molecular consequence: missense variant.
Genome position (GRCh38, 1-based): chr2:98,396,206, G>T. VCF-style: chr2-98396206-G-T. GRCh37 (hg19) VCF-style: chr2-99012669-G-T.
Other names: c.982G>T, p.Gly328Trp (NM_001079878.2); short protein forms G328W, G346W.
Identifiers: ClinVar variation 1957640 (VCV001957640.5), dbSNP rs775262372, ClinGen allele CA52635415.